The following is an entry in ClinVar:

ClinVar aggregate classification (germline): Uncertain significance. Review status: criteria provided, multiple submitters, no conflicts (2 of 4 stars). 4 submissions from 4 submitters: Uncertain significance (4). Last evaluated 2024-07-27.

Conditions:
Familial cancer of breast. Also called: BREAST CANCER, FAMILIAL; Hereditary breast cancer; hereditary breast carcinoma. Identifiers: Orphanet 227535, MedGen C0346153, MONDO:0016419, OMIM 114480. Disease mechanism: loss of function.
Fanconi anemia complementation group J. Also called: BRIP1-Related Fanconi Anemia. Identifiers: Orphanet 84, MedGen C1836860, MONDO:0012187, OMIM 609054.
Hereditary cancer-predisposing syndrome. Also called: Tumor predisposition; Neoplastic Syndromes, Hereditary; Hereditary Cancer Syndrome; Hereditary neoplastic syndrome. Identifiers: Orphanet 140162, MedGen C0027672, MeSH D009386, MONDO:0015356.

Allele frequency attached by ClinVar (database versions not stated): gnomAD exomes below 0.00001; TOPMed below 0.00001; gnomAD 0.00001.
gnomAD v4.1: 2 of 1,613,880 alleles (0.00012%); highest among the groups gnomAD compares: African/African-American, 0.0013%; no homozygotes.

Submissions (4):

Ambry Genetics
Classification: Uncertain significance for Hereditary cancer-predisposing syndrome. Last evaluated: 2024-07-27. Review status: criteria provided, single submitter. Criteria: Ambry Variant Classification Scheme 2023. Collection method: clinical testing. Allele origin: germline.
Comment: The p.S930P variant (also known as c.2788T>C), located in coding exon 18 of the BRIP1 gene, results from a T to C substitution at nucleotide position 2788. The serine at codon 930 is replaced by proline, an amino acid with similar properties. This amino acid position is not well conserved in available vertebrate species. In addition, this alteration is predicted to be tolerated by in silico analysis. Since supporting evidence is limited at this time, the clinical significance of this alteration remains unclear.

Labcorp Genetics (formerly Invitae), Labcorp
Classification: Uncertain significance for Familial cancer of breast; Fanconi anemia complementation group J. Last evaluated: 2024-04-22. Review status: criteria provided, single submitter. Criteria: Invitae Variant Classification Sherloc (09022015). Collection method: clinical testing. Allele origin: germline.
Comment: This sequence change replaces serine, which is neutral and polar, with proline, which is neutral and non-polar, at codon 930 of the BRIP1 protein (p.Ser930Pro). This variant is not present in population databases (gnomAD no frequency). This variant has not been reported in the literature in individuals affected with BRIP1-related conditions. ClinVar contains an entry for this variant (Variation ID: 627900). Advanced modeling of protein sequence and biophysical properties (such as structural, functional, and spatial information, amino acid conservation, physicochemical variation, residue mobility, and thermodynamic stability) performed at Invitae indicates that this missense variant is not expected to disrupt BRIP1 protein function with a negative predictive value of 80%. In summary, the available evidence is currently insufficient to determine the role of this variant in disease. Therefore, it has been classified as a Variant of Uncertain Significance.

Baylor Genetics
Classification: Uncertain significance for Familial cancer of breast. Last evaluated: 2023-06-16. Review status: criteria provided, single submitter. Criteria: ACMG Guidelines, 2015. Collection method: clinical testing. Allele origin: unknown.

Color Diagnostics, LLC DBA Color Health
Classification: Uncertain significance for Hereditary cancer-predisposing syndrome. Last evaluated: 2019-02-16. Review status: criteria provided, single submitter. Criteria: ACMG Guidelines, 2015. Collection method: clinical testing. Allele origin: germline.

NM_032043.3(BRIP1):c.2788T>C (p.Ser930Pro)

Gene: BRIP1 (BRCA1 interacting DNA helicase 1; minus strand). Cytogenetic location: 17q23.2.
Variant type: single nucleotide variant.
Coding change: c.2788T>C on transcript NM_032043.3 (MANE Select); coding-DNA position 2788, T replaced by C.
Protein change: p.Ser930Pro; replaces serine 930 with proline.
Molecular consequence: missense variant.
Genome position (GRCh38, 1-based): chr17:61,685,953, A>G on the plus strand (T>C on the coding strand, the complement: BRIP1 is on the minus strand). VCF-style: chr17-61685953-A-G. GRCh37 (hg19) VCF-style: chr17-59763314-A-G.
Other names: short protein forms S930P.
Identifiers: ClinVar variation 627900 (VCV000627900.14), dbSNP rs1384396768, ClinGen allele CA400481531.